The following is an entry in ClinVar:

NM_144997.7(FLCN):c.1522A>C (p.Lys508Gln)

Gene: FLCN (folliculin; minus strand). Cytogenetic location: 17p11.2.
Variant type: single nucleotide variant.
Coding change: c.1522A>C on transcript NM_144997.7 (MANE Select); coding-DNA position 1522, A replaced by C.
Protein change: p.Lys508Gln; replaces lysine 508 with glutamine.
Molecular consequence: missense variant.
Genome position (GRCh38, 1-based): chr17:17,215,001, T>G on the plus strand (A>C on the coding strand, the complement: FLCN is on the minus strand). VCF-style: chr17-17215001-T-G. GRCh37 (hg19) VCF-style: chr17-17118315-T-G.
Other names: c.1576A>C, p.Lys526Gln (NM_001353229.2); c.1522A>C, p.Lys508Gln (NM_001353230.2, NM_001353231.2); short protein forms K508Q, K526Q.
Identifiers: ClinVar variation 3716170 (VCV003716170.3).

ClinVar aggregate classification (germline): Uncertain significance. Review status: criteria provided, multiple submitters, no conflicts (2 of 4 stars). 2 submissions from 2 submitters: Uncertain significance (2). Last evaluated 2026-06-22.

Conditions:
Birt-Hogg-Dube syndrome. Also called: Birt Hogg Dubé syndrome. Identifiers: Orphanet 122, MedGen C0346010, MONDO:0800444.
Hereditary cancer-predisposing syndrome. Also called: Tumor predisposition; Hereditary neoplastic syndrome; Hereditary Cancer Syndrome; Neoplastic Syndromes, Hereditary. Identifiers: Orphanet 140162, MedGen C0027672, MeSH D009386, MONDO:0015356.

gnomAD v4.1: 1 of 1,614,080 alleles (0.000062%); highest among the groups gnomAD compares: South Asian, 0.0011%; no homozygotes.

Submissions (2):

Ambry Genetics
Classification: Uncertain significance for Hereditary cancer-predisposing syndrome. Last evaluated: 2026-06-22. Review status: criteria provided, single submitter. Criteria: Ambry Variant Classification Scheme 2023. Collection method: clinical testing. Allele origin: germline.
Comment: The p.K508Q variant (also known as c.1522A>C), located in coding exon 10 of the FLCN gene, results from an A to C substitution at nucleotide position 1522. The lysine at codon 508 is replaced by glutamine, an amino acid with similar properties. This amino acid position is highly conserved in available vertebrate species. In addition, this alteration is predicted to be deleterious by in silico analysis. Based on the available evidence, the clinical significance of this variant remains unclear.

Labcorp Genetics (formerly Invitae), Labcorp
Classification: Uncertain significance for Birt-Hogg-Dube syndrome. Last evaluated: 2024-10-28. Review status: criteria provided, single submitter. Criteria: Invitae Variant Classification Sherloc (09022015). Collection method: clinical testing. Allele origin: germline.
Comment: This sequence change replaces lysine, which is basic and polar, with glutamine, which is neutral and polar, at codon 508 of the FLCN protein (p.Lys508Gln). This variant is not present in population databases (gnomAD no frequency). This variant has not been reported in the literature in individuals affected with FLCN-related conditions. Invitae Evidence Modeling of protein sequence and biophysical properties (such as structural, functional, and spatial information, amino acid conservation, physicochemical variation, residue mobility, and thermodynamic stability) indicates that this missense variant is not expected to disrupt FLCN protein function with a negative predictive value of 80%. This variant disrupts the p.Lys508 amino acid residue in FLCN. Other variant(s) that disrupt this residue have been determined to be pathogenic (PMID: 19659657, 21538689, 23364595). This suggests that this residue is clinically significant, and that variants that disrupt this residue are likely to be disease-causing. In summary, the available evidence is currently insufficient to determine the role of this variant in disease. Therefore, it has been classified as a Variant of Uncertain Significance.

Literature cited by the submitters: PubMed 19659657 (cited by Labcorp Genetics (formerly Invitae), Labcorp); PubMed 21538689 (cited by Labcorp Genetics (formerly Invitae), Labcorp); PubMed 23364595 (cited by Labcorp Genetics (formerly Invitae), Labcorp).